The following is an entry in ClinVar:

ClinVar aggregate classification (germline): Uncertain significance (1 of 4 stars; one submission).

Conditions:
MHC class I deficiency. Identifiers: Orphanet 34592, MedGen C6024714, MONDO:0011476.

Allele frequency attached by ClinVar (database versions not stated): TOPMed below 0.00001; gnomAD 0.00001; gnomAD exomes 0.00001.

Submission:

Labcorp Genetics (formerly Invitae), Labcorp
Classification: Uncertain significance for MHC class I deficiency 1. Last evaluated: 2022-04-01. Review status: criteria provided, single submitter. Criteria: Invitae Variant Classification Sherloc (09022015). Collection method: clinical testing. Allele origin: germline.
Comment: This variant is not present in population databases (gnomAD no frequency). In summary, the available evidence is currently insufficient to determine the role of this variant in disease. Therefore, it has been classified as a Variant of Uncertain Significance. Algorithms developed to predict the effect of missense changes on protein structure and function are either unavailable or do not agree on the potential impact of this missense change (SIFT: "Tolerated"; PolyPhen-2: "Not Available"; Align-GVGD: "Class C0"). This variant has not been reported in the literature in individuals affected with TAP1-related conditions. This sequence change replaces serine, which is neutral and polar, with leucine, which is neutral and non-polar, at codon 22 of the TAP1 protein (p.Ser22Leu).

NC_000006.12:g.32853752G>A

Gene: TAP1 (transporter 1, ATP binding cassette subfamily B member; minus strand). Cytogenetic location: 6p21.32.
Variant type: single nucleotide variant.
Genome position: GRCh38 VCF-style: chr6-32853752-G-A. GRCh37 (hg19) VCF-style: chr6-32821529-G-A.
Identifiers: ClinVar variation 2179182 (VCV002179182.3), dbSNP rs1310587111, ClinGen allele CA363584441.